The following is an entry in ClinVar:

NM_015080.4(NRXN2):c.2390-3C>A

Gene: NRXN2 (neurexin 2; minus strand). Cytogenetic location: 11q13.1.
Variant type: single nucleotide variant.
Coding change: c.2390-3C>A on transcript NM_015080.4 (MANE Select); 3 bases into the intron before coding-DNA position 2390, C replaced by A.
Molecular consequence: intron variant.
Genome position (GRCh38, 1-based): chr11:64,653,725, G>T on the plus strand (C>A on the coding strand, the complement: NRXN2 is on the minus strand). VCF-style: chr11-64653725-G-T. GRCh37 (hg19) VCF-style: chr11-64421197-G-T.
Other names: c.2297-1571C>A (NM_138732.3); c.2366-3C>A (NM_001376266.1); c.2345-3C>A (NM_001376265.1); c.2369-3C>A (NM_001376267.1, NM_001376263.1); c.2390-3C>A (NM_001376262.1).
Identifiers: ClinVar variation 930618 (VCV000930618.4), dbSNP rs561690501, ClinGen allele CA6078204.

ClinVar aggregate classification (germline): Uncertain significance. Review status: criteria provided, multiple submitters, no conflicts (2 of 4 stars). 2 submissions from 2 submitters: Uncertain significance (2). Last evaluated 2021-10-21.

Conditions:
NRXN2-related disorder. Also called: NRXN2-related condition.

Allele frequency attached by ClinVar (database versions not stated): TOPMed 0.00003; gnomAD 0.00004 and 0.00007; 1000 Genomes Project 0.00040; 1000 Genomes Project 30x 0.00047.
gnomAD v4.1: 77 of 1,587,318 alleles (0.0049%); highest among the groups gnomAD compares: East Asian, 0.059%; no homozygotes.

Submissions (2):

Department of Pathology and Laboratory Medicine, Sinai Health System
Classification: Uncertain significance for NRXN2-related condition. Last evaluated: 2021-10-21. Review status: criteria provided, single submitter. Criteria: ACMG Guidelines, 2015. Collection method: research. Allele origin: germline.

Centre for Mendelian Genomics, University Medical Centre Ljubljana
Classification: Uncertain significance. Last evaluated: 2019-05-17. Review status: criteria provided, single submitter. Criteria: ACMG Guidelines, 2015. Collection method: clinical testing. Allele origin: unknown. Affected: yes.
Comment: This variant was classified as: Uncertain significance. The available evidence on this variant's pathogenicity is insufficient or conflicting. The following ACMG criteria were applied in classifying this variant: PP3.